The following is an entry in ClinVar:

ClinVar aggregate classification (germline): Uncertain significance (1 of 4 stars; one submission).

Submission:

Labcorp Genetics (formerly Invitae), Labcorp
Classification: Uncertain significance. Last evaluated: 2022-08-17. Review status: criteria provided, single submitter. Criteria: Invitae Variant Classification Sherloc (09022015). Collection method: clinical testing. Allele origin: germline.
Comment: This sequence change replaces glycine, which is neutral and non-polar, with glutamic acid, which is acidic and polar, at codon 881 of the ADAMTSL4 protein (p.Gly881Glu). This variant is not present in population databases (gnomAD no frequency). This variant has not been reported in the literature in individuals affected with ADAMTSL4-related conditions. Algorithms developed to predict the effect of missense changes on protein structure and function output the following: SIFT: "Tolerated"; PolyPhen-2: "Benign"; Align-GVGD: "Class C0". The glutamic acid amino acid residue is found in multiple mammalian species, which suggests that this missense change does not adversely affect protein function. In summary, the available evidence is currently insufficient to determine the role of this variant in disease. Therefore, it has been classified as a Variant of Uncertain Significance.

NM_019032.6(ADAMTSL4):c.2642G>A (p.Gly881Glu)

Gene: ADAMTSL4 (ADAMTS like 4; plus strand). Cytogenetic location: 1q21.2.
Variant type: single nucleotide variant.
Coding change: c.2642G>A on transcript NM_019032.6 (MANE Select); coding-DNA position 2642, G replaced by A.
Protein change: p.Gly881Glu; replaces glycine 881 with glutamic acid.
Molecular consequence: missense variant.
Genome position (GRCh38, 1-based): chr1:150,559,044, G>A. VCF-style: chr1-150559044-G-A. GRCh37 (hg19) VCF-style: chr1-150531520-G-A.
Other names: c.2525G>A, p.Gly842Glu (NM_001288607.2); c.2711G>A, p.Gly904Glu (NM_001288608.2); c.2642G>A, p.Gly881Glu (NM_001378596.1); short protein forms G842E, G904E, G881E.
Identifiers: ClinVar variation 1975366 (VCV001975366.2), dbSNP rs1672516726, ClinGen allele CA342315925.